The following is an entry in ClinVar:

NM_002225.5(IVD):c.813_814insAGACA (p.Gly272fs)

Gene: IVD (isovaleryl-CoA dehydrogenase; plus strand). Cytogenetic location: 15q15.1.
Variant type: Insertion.
Coding change: c.813_814insAGACA on transcript NM_002225.5 (MANE Select); coding-DNA positions 813 to 814, AGACA inserted.
Protein change: p.Gly272fs; shifts the reading frame from glycine 272.
Molecular consequence: frameshift variant. On other transcripts: non-coding transcript variant (1).
Genome position: GRCh38 VCF-style: chr15-40414917-G-GAGACA. GRCh37 (hg19) VCF-style: chr15-40707116-G-GAGACA.
Other names: c.813_814insAGACA, p.Gly272fs (NM_001354601.3, NM_001354598.3); c.723_724insAGACA, p.Gly242fs (NM_001159508.3); c.765_766insAGACA, p.Gly256fs (NM_001354597.3); c.900_901insAGACA, p.Gly301fs (NM_001354599.3, NM_001354600.3); short protein forms G242fs, G256fs, G272fs, G301fs.
Identifiers: ClinVar variation 1725138 (VCV001725138.2), dbSNP rs2542737883, ClinGen allele CA2580089346.

ClinVar aggregate classification (germline): Likely pathogenic (1 of 4 stars; one submission).

Conditions:
Isovaleryl-CoA dehydrogenase deficiency (IVA). Also called: ISOVALERIC ACID CoA DEHYDROGENASE DEFICIENCY; Classic Isovaleric Acidemia; Isovaleric acidemia; IVD DEFICIENCY. Identifiers: Orphanet 33, MedGen C0268575, MONDO:0009475, OMIM 243500.

Submission:

Myriad Genetics, Inc.
Classification: Likely pathogenic for Isovaleryl-CoA dehydrogenase deficiency. Last evaluated: 2022-03-09. Review status: criteria provided, single submitter. Criteria: Myriad Women's Health Autosomal Recessive and X-Linked Classification Criteria (2021). Collection method: clinical testing. Allele origin: unknown.
Comment: NM_002225.3(IVD):c.822_823ins5(G275Rfs*7) is expected to be pathogenic in the context of isovaleric acidemia. This variant is predicted to lead to an abnormal or absent protein product due to the creation of a premature termination codon in IVD, a gene where loss-of-function variants are known to be pathogenic. Please note: this variant was assessed in the context of healthy population screening.